The following is an entry in ClinVar:

NM_000368.5(TSC1):c.316A>G (p.Lys106Glu)

Gene: TSC1 (TSC complex subunit 1; minus strand). Cytogenetic location: 9q34.13.
Variant type: single nucleotide variant.
Coding change: c.316A>G on transcript NM_000368.5 (MANE Select); coding-DNA position 316, A replaced by G.
Protein change: p.Lys106Glu; replaces lysine 106 with glutamic acid.
Molecular consequence: missense variant. On other transcripts: 5 prime UTR variant (1), intron variant (1).
Genome position (GRCh38, 1-based): chr9:132,925,634, T>C on the plus strand (A>G on the coding strand, the complement: TSC1 is on the minus strand). VCF-style: chr9-132925634-T-C. GRCh37 (hg19) VCF-style: chr9-135801021-T-C.
Other names: c.316A>G, p.Lys106Glu (NM_001162426.2, NM_001406592.1, NM_001406593.1 and 16 more transcripts); c.-48A>G (NM_001362177.2, NM_001406617.1, NM_001406618.1 and 5 more transcripts); c.-140A>G (NM_001406614.1, NM_001406616.1, NM_001406624.1); c.-173A>G (NM_001406615.1, NM_001406623.1); c.-562A>G (NM_001406626.1, NM_001406627.1, NM_001406628.1); c.-704A>G (NM_001406629.1); c.-778A>G (NM_001406630.1); c.210+1567A>G (NM_001162427.2); short protein forms K106E.
Identifiers: ClinVar variation 1721130 (VCV001721130.5), dbSNP rs2132232407, ClinGen allele CA375374465.

ClinVar aggregate classification (germline): Uncertain significance (1 of 4 stars; one submission).

Conditions:
Tuberous sclerosis 1 (TSC1). Identifiers: Orphanet 805, MedGen C1854465, MONDO:0008612, OMIM 191100.

Submission:

Labcorp Genetics (formerly Invitae), Labcorp
Classification: Uncertain significance for Tuberous sclerosis 1. Last evaluated: 2022-07-21. Review status: criteria provided, single submitter. Criteria: Invitae Variant Classification Sherloc (09022015). Collection method: clinical testing. Allele origin: germline.
Comment: In summary, the available evidence is currently insufficient to determine the role of this variant in disease. Therefore, it has been classified as a Variant of Uncertain Significance. Algorithms developed to predict the effect of missense changes on protein structure and function are either unavailable or do not agree on the potential impact of this missense change (SIFT: "Deleterious"; PolyPhen-2: "Probably Damaging"; Align-GVGD: "Class C0"). This variant has not been reported in the literature in individuals affected with TSC1-related conditions. This variant is not present in population databases (gnomAD no frequency). This sequence change replaces lysine, which is basic and polar, with glutamic acid, which is acidic and polar, at codon 106 of the TSC1 protein (p.Lys106Glu).